The following is an entry in ClinVar:

ClinVar aggregate classification (germline): Uncertain significance (1 of 4 stars; one submission).

gnomAD v4.1: 2 of 1,614,062 alleles (0.00012%); highest among the groups gnomAD compares: Non-Finnish European, 0.00017%; no homozygotes.

Submission:

GeneDx
Classification: Uncertain significance. Last evaluated: 2025-02-19. Review status: criteria provided, single submitter. Criteria: GeneDx Variant Classification Process June 2021. Collection method: clinical testing. Allele origin: germline. Affected: yes.
Comment: Not observed at significant frequency in large population cohorts (gnomAD); In silico analysis supports that this missense variant has a deleterious effect on protein structure/function; Has not been previously published as pathogenic or benign to our knowledge

NM_001134673.4(NFIA):c.422C>T (p.Pro141Leu)

Gene: NFIA (nuclear factor I A; plus strand). Cytogenetic location: 1p31.3.
Variant type: single nucleotide variant.
Coding change: c.422C>T on transcript NM_001134673.4 (MANE Select); coding-DNA position 422, C replaced by T.
Protein change: p.Pro141Leu; replaces proline 141 with leucine.
Molecular consequence: missense variant.
Genome position (GRCh38, 1-based): chr1:61,088,543, C>T. VCF-style: chr1-61088543-C-T. GRCh37 (hg19) VCF-style: chr1-61554215-C-T.
Other names: c.398C>T, p.Pro133Leu (NM_001145511.2); c.557C>T, p.Pro186Leu (NM_001145512.2); c.422C>T, p.Pro141Leu (NM_005595.5); short protein forms P133L, P141L, P186L.
Identifiers: ClinVar variation 4076738 (VCV004076738.1).
Genomic context (GRCh38, chr1:61,088,543, plus strand): 5'-GCCAGGCAGATAAAGTCTGGAGGTTGGACCTTGTTATGGTGATTTTGTTTAAAGGTATTC[C>T]GCTGGAAAGTACTGATGGCGAGCGCCTTGTAAAGTCCCCACAATGCTCTAATCCAGGGCT-3'
Protein context (NP_001128145.1, residues 131-151): LVMVILFKGI[Pro141Leu]LESTDGERLV